The following is an entry in ClinVar:

ClinVar aggregate classification (germline): Uncertain significance. Review status: criteria provided, multiple submitters, no conflicts (2 of 4 stars). 2 submissions from 2 submitters: Uncertain significance (2). Last evaluated 2025-06-07.

Conditions:
Congenital factor V deficiency. Also called: LABILE FACTOR DEFICIENCY; Hereditary factor V deficiency disease; OWREN PARAHEMOPHILIA; PARAHEMOPHILIA. Identifiers: Orphanet 326, MedGen C0015499, MONDO:0009210, OMIM 227400.
Inborn genetic diseases. Identifiers: MedGen C0950123, MeSH D030342.

Allele frequency attached by ClinVar (database versions not stated): gnomAD exomes below 0.00001; TOPMed 0.00001.

Submissions (2):

Ambry Genetics
Classification: Uncertain significance for Inborn genetic diseases. Last evaluated: 2025-06-07. Review status: criteria provided, single submitter. Criteria: Ambry Variant Classification Scheme 2023. Collection method: clinical testing. Allele origin: germline.

Labcorp Genetics (formerly Invitae), Labcorp
Classification: Uncertain significance for Congenital factor V deficiency. Last evaluated: 2023-10-23. Review status: criteria provided, single submitter. Criteria: Invitae Variant Classification Sherloc (09022015). Collection method: clinical testing. Allele origin: germline.
Comment: This sequence change replaces phenylalanine, which is neutral and non-polar, with cysteine, which is neutral and slightly polar, at codon 1869 of the F5 protein (p.Phe1869Cys). This variant is present in population databases (no rsID available, gnomAD 0.006%). This variant has not been reported in the literature in individuals affected with F5-related conditions. An algorithm developed to predict the effect of missense changes on protein structure and function (PolyPhen-2) suggests that this variant is likely to be disruptive. In summary, the available evidence is currently insufficient to determine the role of this variant in disease. Therefore, it has been classified as a Variant of Uncertain Significance.

NM_000130.5(F5):c.5606T>G (p.Phe1869Cys)

Gene: F5 (coagulation factor V; minus strand). Cytogenetic location: 1q24.2.
Variant type: single nucleotide variant.
Coding change: c.5606T>G on transcript NM_000130.5 (MANE Select); coding-DNA position 5606, T replaced by G.
Protein change: p.Phe1869Cys; replaces phenylalanine 1869 with cysteine.
Molecular consequence: missense variant.
Genome position (GRCh38, 1-based): chr1:169,526,011, A>C on the plus strand (T>G on the coding strand, the complement: F5 is on the minus strand). VCF-style: chr1-169526011-A-C. GRCh37 (hg19) VCF-style: chr1-169495249-A-C.
Other names: short protein forms F1869C.
Identifiers: ClinVar variation 2887608 (VCV002887608.4), dbSNP rs1455826563, ClinGen allele CA343125363.
Genomic context (GRCh38, chr1:169,526,011, plus strand): 5'-CCAACCTCTGTGTTTAGGAGCCACCAGCCAGGTTTTGATGCCTTCATTTCAAGAGTTTTA[A>C]ATGAACCTAAAATAAAAAGAACAACATTACATTTGCAAAAATTAACAAGTAAATATTGTG-3'
Protein context (NP_000121.2, residues 1859-1879): LGVWPLLPGS[Phe1869Cys]KTLEMKASKP